The following is an entry in ClinVar:

ClinVar aggregate classification (germline): Likely benign. Review status: reviewed by expert panel (3 of 4 stars). 3 submissions from 3 submitters: Likely benign (1). 2 of the submissions do not count toward it. Last evaluated 2017-06-29.

Conditions:
Hereditary cancer-predisposing syndrome. Also called: Neoplastic Syndromes, Hereditary; Hereditary neoplastic syndrome; Tumor predisposition; Hereditary Cancer Syndrome. Identifiers: Orphanet 140162, MedGen C0027672, MeSH D009386, MONDO:0015356.
Hereditary breast ovarian cancer syndrome. Also called: Hereditary breast and ovarian cancer syndrome (HBOC); BRCA1- and BRCA2-Associated Hereditary Breast and Ovarian Cancer; Hereditary breast and/or ovarian cancer syndrome; Hereditary breast and ovarian cancer syndrome; Hereditary breast and ovarian cancer; Breast and ovarian cancer. Identifiers: Orphanet 145, MedGen C0677776, MeSH D061325, MONDO:0003582. Disease mechanism: loss of function.
Breast-ovarian cancer, familial, susceptibility to, 1 (BROVCA1). Also called: BRCA1 Hereditary Breast and Ovarian Cancer; OVARIAN CANCER, SUSCEPTIBILITY TO. Identifiers: Orphanet 145, MedGen C2676676, MONDO:0011450, OMIM 604370. Disease mechanism: loss of function.

Allele frequency attached by ClinVar (database versions not stated): gnomAD exomes below 0.00001; ExAC 0.00001; TOPMed 0.00001.

Submissions (3):

Evidence-based Network for the Interpretation of Germline Mutant Alleles (ENIGMA)
Classification: Likely benign for Breast-ovarian cancer, familial, susceptibility to, 1. Last evaluated: 2017-06-29. Review status: reviewed by expert panel. Criteria: ENIGMA BRCA1/2 Classification Criteria (2017-06-29). Collection method: curation. Allele origin: germline.
Comment: Synonymous substitution variant, with low bioinformatic likelihood to result in a splicing aberration (Splicing prior probability 0.02).

Labcorp Genetics (formerly Invitae), Labcorp
Classification: Likely benign for Hereditary breast ovarian cancer syndrome. Last evaluated: 2025-12-16. Review status: criteria provided, single submitter. Criteria: Invitae Variant Classification Sherloc (09022015). Collection method: clinical testing. Allele origin: germline. Not counted in ClinVar's aggregate classification.

Ambry Genetics
Classification: Likely benign for Hereditary cancer-predisposing syndrome. Last evaluated: 2018-01-05. Review status: criteria provided, single submitter. Criteria: Ambry Variant Classification Scheme 2023. Collection method: clinical testing. Allele origin: germline. Not counted in ClinVar's aggregate classification.

NM_007294.4(BRCA1):c.1947G>A (p.Glu649=)

Gene: BRCA1 (BRCA1 DNA repair associated; minus strand). Cytogenetic location: 17q21.31.
Variant type: single nucleotide variant.
Coding change: c.1947G>A on transcript NM_007294.4 (MANE Select); coding-DNA position 1947, G replaced by A.
Protein change: p.Glu649=; no amino-acid change (glutamic acid 649 retained).
Molecular consequence: synonymous variant. On other transcripts: intron variant (137).
Genome position (GRCh38, 1-based): chr17:43,093,584, C>T on the plus strand (G>A on the coding strand, the complement: BRCA1 is on the minus strand). VCF-style: chr17-43093584-C-T. GRCh37 (hg19) VCF-style: chr17-41245601-C-T.
Other names: c.1737G>A, p.Glu579= (NM_001407889.1, NM_001407900.1, NM_001407902.1 and 13 more transcripts); c.1734G>A, p.Glu578= (NM_001407894.1, NM_001407895.1, NM_001407896.1 and 9 more transcripts); c.1824G>A, p.Glu608= (NM_001407919.1, NM_001407937.1, NM_001407938.1 and 19 more transcripts); c.1683G>A, p.Glu561= (NM_001407920.1, NM_001407921.1, NM_001407922.1 and 9 more transcripts); c.1680G>A, p.Glu560= (NM_001407930.1, NM_001407931.1, NM_001407932.1 and 2 more transcripts); c.1821G>A, p.Glu607= (NM_001407940.1, NM_001407941.1, NM_001407649.1 and 11 more transcripts); c.1806G>A, p.Glu602= (NM_001407942.1, NM_001407944.1, NM_001407945.1 and 29 more transcripts); c.1803G>A, p.Glu601= (NM_001407943.1, NM_001407964.1, NM_001407740.1 and 20 more transcripts); and 40 more.
Identifiers: ClinVar variation 427348 (VCV000427348.16), dbSNP rs755706172, ClinGen allele CA057646.